The following is an entry in ClinVar:

NM_001172509.2(SATB2):c.444T>C (p.His148=)

Gene: SATB2 (SATB homeobox 2; minus strand). Cytogenetic location: 2q33.1.
Variant type: single nucleotide variant.
Coding change: c.444T>C on transcript NM_001172509.2 (MANE Select); coding-DNA position 444, T replaced by C.
Protein change: p.His148=; no amino-acid change (histidine 148 retained).
Molecular consequence: synonymous variant.
Genome position (GRCh38, 1-based): chr2:199,381,723, A>G on the plus strand (T>C on the coding strand, the complement: SATB2 is on the minus strand). VCF-style: chr2-199381723-A-G. GRCh37 (hg19) VCF-style: chr2-200246446-A-G.
Other names: c.444T>C, p.His148= (NM_001172517.1, NM_015265.4); c.444T>C (NM_015265.3).
Identifiers: ClinVar variation 1897281 (VCV001897281.8), dbSNP rs752665591, ClinGen allele CA2046086.

ClinVar aggregate classification (germline): Likely benign. Review status: criteria provided, multiple submitters, no conflicts (2 of 4 stars). 3 submissions from 3 submitters: Likely benign (3). Last evaluated 2026-08-20.

Conditions:
SATB2-related disorder. Also called: SATB2-related condition.
Chromosome 2q32-q33 deletion syndrome (GLASS). Also called: Glass syndrome; 2q33.1 deletion syndrome. Identifiers: Orphanet 251019, MedGen C2676739, MONDO:0012864, OMIM 612313.

Allele frequency attached by ClinVar (database versions not stated): gnomAD exomes 0.00001; ExAC 0.00002.
gnomAD v4.1: 9 of 1,614,146 alleles (0.00056%); highest among the groups gnomAD compares: South Asian, 0.0077%; no homozygotes.

Submissions (3):

PreventionGenetics, part of Exact Sciences
Classification: Likely benign for SATB2-related condition. Last evaluated: 2026-08-20. Review status: criteria provided, single submitter. Criteria: ACMG Guidelines, 2015. Collection method: clinical testing. Allele origin: germline.
Comment: This variant is classified as likely benign based on ACMG/AMP sequence variant interpretation guidelines (Richards et al. 2015 PMID: 25741868, with internal and published modifications).

CeGaT Center for Human Genetics Tuebingen
Classification: Likely benign. Last evaluated: 2026-06-01. Review status: criteria provided, single submitter. Criteria: CeGaT Center For Human Genetics Tuebingen Variant Classification Criteria Version 2. Collection method: clinical testing. Allele origin: germline. Affected: yes. Observed: 1 variant allele.
Comment: SATB2: BP4, BP7

Labcorp Genetics (formerly Invitae), Labcorp
Classification: Likely benign for Chromosome 2q32-q33 deletion syndrome. Last evaluated: 2024-12-18. Review status: criteria provided, single submitter. Criteria: Invitae Variant Classification Sherloc (09022015). Collection method: clinical testing. Allele origin: germline.